The following is an entry in ClinVar:

ClinVar aggregate classification (germline): Uncertain significance (0 of 4 stars; one submission).

Conditions:
ASXL3-related disorder. Also called: ASXL3-related condition. Identifiers: MedGen CN381524.

Submission:

PreventionGenetics, part of Exact Sciences
Classification: Uncertain significance for ASXL3-related condition. Last evaluated: 2024-08-09. Review status: no assertion criteria provided. Collection method: clinical testing. Allele origin: germline.
Comment: The ASXL3 c.5608C>T variant is predicted to result in the amino acid substitution p.His1870Tyr. To our knowledge, this variant has not been reported in the literature or in a large population database, indicating this variant is rare. At this time, the clinical significance of this variant is uncertain due to the absence of conclusive functional and genetic evidence.

NM_030632.3(ASXL3):c.5608C>T (p.His1870Tyr)

Gene: ASXL3 (ASXL transcriptional regulator 3; plus strand). Cytogenetic location: 18q12.1.
Variant type: single nucleotide variant.
Coding change: c.5608C>T on transcript NM_030632.3 (MANE Select); coding-DNA position 5608, C replaced by T.
Protein change: p.His1870Tyr; replaces histidine 1870 with tyrosine.
Molecular consequence: missense variant.
Genome position (GRCh38, 1-based): chr18:33,745,456, C>T. VCF-style: chr18-33745456-C-T. GRCh37 (hg19) VCF-style: chr18-31325420-C-T.
Other names: short protein forms H1870Y.
Identifiers: ClinVar variation 3347840 (VCV003347840.1).